The following is an entry in ClinVar:

ClinVar aggregate classification (germline): Uncertain significance. Review status: criteria provided, multiple submitters, no conflicts (2 of 4 stars). 3 submissions from 3 submitters: Uncertain significance (2). 1 of the submissions does not count toward it. Last evaluated 2025-08-30.

Conditions:
SCP2-related disorder. Also called: SCP2-related condition.

Allele frequency attached by ClinVar (database versions not stated): TOPMed 0.00006; ESP Exome Variant Server 0.00008; gnomAD 0.00008 and 0.00009; gnomAD exomes 0.00009; ExAC 0.00010.
gnomAD v4.1: 114 of 1,613,928 alleles (0.0071%); highest among the groups gnomAD compares: Non-Finnish European, 0.0093%; no homozygotes.

Submissions (3):

Ambry Genetics
Classification: Uncertain significance. Last evaluated: 2025-08-30. Review status: criteria provided, single submitter. Criteria: Ambry Variant Classification Scheme 2023. Collection method: clinical testing. Allele origin: germline.

Labcorp Genetics (formerly Invitae), Labcorp
Classification: Uncertain significance. Last evaluated: 2025-01-21. Review status: criteria provided, single submitter. Criteria: Invitae Variant Classification Sherloc (09022015). Collection method: clinical testing. Allele origin: germline.
Comment: This sequence change replaces threonine, which is neutral and polar, with lysine, which is basic and polar, at codon 295 of the SCP2 protein (p.Thr295Lys). This variant is present in population databases (rs370185824, gnomAD 0.02%). This variant has not been reported in the literature in individuals affected with SCP2-related conditions. ClinVar contains an entry for this variant (Variation ID: 1416432). An algorithm developed to predict the effect of missense changes on protein structure and function outputs the following: PolyPhen-2: "Benign". The lysine amino acid residue is found in multiple mammalian species, which suggests that this missense change does not adversely affect protein function. In summary, the available evidence is currently insufficient to determine the role of this variant in disease. Therefore, it has been classified as a Variant of Uncertain Significance.

PreventionGenetics, part of Exact Sciences
Classification: Uncertain significance for SCP2-related condition. Last evaluated: 2024-01-04. Review status: no assertion criteria provided. Collection method: clinical testing. Allele origin: germline. Not counted in ClinVar's aggregate classification.
Comment: The SCP2 c.884C>A variant is predicted to result in the amino acid substitution p.Thr295Lys. To our knowledge, this variant has not been reported in the literature. This variant is reported in 0.024% of alleles in individuals of European (Non-Finnish) descent in gnomAD. At this time, the clinical significance of this variant is uncertain due to the absence of conclusive functional and genetic evidence.

NM_002979.5(SCP2):c.884C>A (p.Thr295Lys)

Gene: SCP2 (sterol carrier protein 2; plus strand). Cytogenetic location: 1p32.3.
Variant type: single nucleotide variant.
Coding change: c.884C>A on transcript NM_002979.5 (MANE Select); coding-DNA position 884, C replaced by A.
Protein change: p.Thr295Lys; replaces threonine 295 with lysine.
Molecular consequence: missense variant.
Genome position (GRCh38, 1-based): chr1:52,980,454, C>A. VCF-style: chr1-52980454-C-A. GRCh37 (hg19) VCF-style: chr1-53446126-C-A.
Other names: c.884C>A (NM_002979.4); c.752C>A, p.Thr251Lys (NM_001007098.3, NM_001193600.2); c.812C>A, p.Thr271Lys (NM_001193599.2); c.641C>A, p.Thr214Lys (NM_001193617.2); c.884C>A, p.Thr295Lys (NM_001330587.2); short protein forms T251K, T214K, T295K, T271K.
Identifiers: ClinVar variation 1416432 (VCV001416432.9), dbSNP rs370185824, ClinGen allele CA857249.